The following is an entry in ClinVar:

NM_206933.4(USH2A):c.13894C>G (p.Pro4632Ala)

Gene: USH2A (usherin; minus strand). Cytogenetic location: 1q41.
Variant type: single nucleotide variant.
Coding change: c.13894C>G on transcript NM_206933.4 (MANE Select); coding-DNA position 13894, C replaced by G.
Protein change: p.Pro4632Ala; replaces proline 4632 with alanine.
Molecular consequence: missense variant.
Genome position (GRCh38, 1-based): chr1:215,671,211, G>C on the plus strand (C>G on the coding strand, the complement: USH2A is on the minus strand). VCF-style: chr1-215671211-G-C. GRCh37 (hg19) VCF-style: chr1-215844553-G-C.
Other names: short protein forms P4632A.
Identifiers: ClinVar variation 2192000 (VCV002192000.6), dbSNP rs1397044127, ClinGen allele CA344841488.

ClinVar aggregate classification (germline): Uncertain significance. Review status: criteria provided, multiple submitters, no conflicts (2 of 4 stars). 3 submissions from 3 submitters: Uncertain significance (3). Last evaluated 2025-09-24.

Conditions:
USH2A-related disorder. Also called: USH2A-related disorders; USH2A-related condition. Identifiers: MedGen CN239332.
Retinal dystrophy. Also called: Inherited retinal dystrophy. Identifiers: Orphanet 71862, MedGen C0854723, MeSH D058499, MONDO:0019118, HP:0000556.

gnomAD v4.1: 4 of 1,614,112 alleles (0.00025%); highest among the groups gnomAD compares: East Asian, 0.0089%; no homozygotes.

Submissions (3):

Myriad Genetics, Inc.
Classification: Uncertain significance for USH2A-related disorder. Last evaluated: 2025-09-24. Review status: criteria provided, single submitter. Criteria: Myriad Autosomal Dominant, Autosomal Recessive and X-Linked Classification Criteria (2023). Collection method: clinical testing. Allele origin: unknown.
Comment: NM_206933.2(USH2A):c.13894C>G(P4632A) is a missense variant classified as a variant of uncertain significance in the context of USH2A-related disorders. P4632A has been observed in a case with relevant disease (PMID: 33105608). Relevant functional assessments of this variant are not available in the literature. P4632A has not been observed in referenced population frequency databases. In summary, there is insufficient evidence to classify NM_206933.2(USH2A):c.13894C>G(P4632A) as pathogenic or benign. Please note: this variant was assessed in the context of healthy population screening.

Labcorp Genetics (formerly Invitae), Labcorp
Classification: Uncertain significance. Last evaluated: 2023-11-19. Review status: criteria provided, single submitter. Criteria: Invitae Variant Classification Sherloc (09022015). Collection method: clinical testing. Allele origin: germline.
Comment: This sequence change replaces proline, which is neutral and non-polar, with alanine, which is neutral and non-polar, at codon 4632 of the USH2A protein (p.Pro4632Ala). This variant is not present in population databases (gnomAD no frequency). This missense change has been observed in individual(s) with retinitis pigmentosa (PMID: 33105608). ClinVar contains an entry for this variant (Variation ID: 2192000). Advanced modeling of protein sequence and biophysical properties (such as structural, functional, and spatial information, amino acid conservation, physicochemical variation, residue mobility, and thermodynamic stability) performed at Invitae indicates that this missense variant is expected to disrupt USH2A protein function with a positive predictive value of 80%. In summary, the available evidence is currently insufficient to determine the role of this variant in disease. Therefore, it has been classified as a Variant of Uncertain Significance.

Dept Of Ophthalmology, Nagoya University
Classification: Uncertain significance for Retinal dystrophy. Last evaluated: 2023-10-01. Review status: criteria provided, single submitter. Criteria: Submitter's publication. Collection method: research. Allele origin: germline. Affected: yes.

Literature cited by the submitters: PubMed 33105608 (cited by Myriad Genetics, Inc. and Labcorp Genetics (formerly Invitae), Labcorp).